The following is an entry in ClinVar:

NM_000206.3(IL2RG):c.967_970dup (p.Asp324fs)

Gene: IL2RG (interleukin 2 receptor subunit gamma; minus strand). Cytogenetic location: Xq13.1.
Variant type: Duplication.
Coding change: c.967_970dup on transcript NM_000206.3 (MANE Select); coding-DNA positions 967 to 970, 4 bases duplicated (CCAG; older notation c.967_970dupCCAG).
Protein change: p.Asp324fs; shifts the reading frame from aspartic acid 324.
Molecular consequence: frameshift variant.
Genome position (GRCh38, 1-based): chrX:71,107,876-71,107,879, CTGG duplicated on the plus strand (CCAG on the coding strand, the reverse complement: IL2RG is on the minus strand); duplicating any 4 consecutive bases within chrX:71,107,876-71,107,882 gives the same sequence; the c. name uses the placement nearest the transcript's 3' end. VCF-style (leftmost placement, unchanged base first): chrX-71107875-T-TCTGG. GRCh37 (hg19) VCF-style: chrX-70327725-T-TCTGG.
Other names: short protein forms D324fs.
Identifiers: ClinVar variation 2660839 (VCV002660839.25), dbSNP rs2521700282, ClinGen allele CA2695200224.
Genomic context (GRCh38, chrX:71,107,875, plus strand): 5'-TCCCCAAGGGCCCCTCCTTTTGGGGGAATCTCACTGACGAGGCAGAGTCGTTCACTGTAG[T>TCTGG]CTGGCTGCAGACTCTCAGCCAGTCCCTTAGACACACCACTCCAGGCCTAAAGACAGATAT-3'

ClinVar aggregate classification (germline): Likely pathogenic. Review status: criteria provided, multiple submitters, no conflicts (2 of 4 stars). 2 submissions from 2 submitters: Likely pathogenic (2). Last evaluated 2026-04-17.

Conditions:
SCID with features of gamma chain deficiency.

Submissions (2):

Genetics Laboratory, Great Ormond Street Hospital NHS Foundation Trust, North Thames Genomic Laboratory Hub
Classification: Likely pathogenic for SCID with features of gamma chain deficiency. Last evaluated: 2026-04-17. Review status: criteria provided, single submitter. Criteria: ACGS Best Practice Guidelines for Variant Classification in Rare Disease 2024 v1.2. Collection method: clinical testing. Allele origin: germline. Affected: yes.
Comment: PS4_supporting, PM2_moderate, PVS1_strong, PP4_moderate

CeGaT Center for Human Genetics Tuebingen
Classification: Likely pathogenic. Last evaluated: 2023-10-01. Review status: criteria provided, single submitter. Criteria: CeGaT Center For Human Genetics Tuebingen Variant Classification Criteria Version 2. Collection method: clinical testing. Allele origin: germline. Affected: yes. Observed: 1 variant allele.
Comment: IL2RG: PVS1:Strong, PM2